The following is an entry in ClinVar:

ClinVar aggregate classification (germline): Uncertain significance. Review status: criteria provided, multiple submitters, no conflicts (2 of 4 stars). 2 submissions from 2 submitters: Uncertain significance (2). Last evaluated 2024-05-02.

Conditions:
Ataxia - intellectual disability - oculomotor apraxia - cerebellar cysts syndrome. Also called: Poretti-Boltshauser syndrome. Identifiers: Orphanet 370022, MedGen C4014821, MONDO:0014419, OMIM 615960.

Allele frequency attached by ClinVar (database versions not stated): gnomAD 0.00009; TOPMed 0.00009; ESP Exome Variant Server 0.00015.
gnomAD v4.1: 203 of 1,614,062 alleles (0.013%); highest among the groups gnomAD compares: Non-Finnish European, 0.017%; no homozygotes.

Submissions (2):

Greenwood Genetic Center Diagnostic Laboratories, Greenwood Genetic Center
Classification: Uncertain significance. Last evaluated: 2024-05-02. Review status: criteria provided, single submitter. Criteria: ACMG Guidelines, 2015. Collection method: clinical testing. Allele origin: germline. Affected: yes.
Comment: PM2

Revvity Omics, Revvity
Classification: Uncertain significance for Ataxia - intellectual disability - oculomotor apraxia - cerebellar cysts syndrome. Last evaluated: 2022-02-01. Review status: criteria provided, single submitter. Criteria: ACMG Guidelines, 2015. Collection method: clinical testing. Allele origin: germline.

NM_005559.4(LAMA1):c.1653G>C (p.Gln551His)

Gene: LAMA1 (laminin subunit alpha 1; minus strand). Cytogenetic location: 18p11.31.
Variant type: single nucleotide variant.
Coding change: c.1653G>C on transcript NM_005559.4 (MANE Select); coding-DNA position 1653, G replaced by C.
Protein change: p.Gln551His; replaces glutamine 551 with histidine.
Molecular consequence: missense variant.
Genome position (GRCh38, 1-based): chr18:7,037,662, C>G on the plus strand (G>C on the coding strand, the complement: LAMA1 is on the minus strand). VCF-style: chr18-7037662-C-G. GRCh37 (hg19) VCF-style: chr18-7037661-C-G.
Other names: short protein forms Q551H.
Identifiers: ClinVar variation 2433290 (VCV002433290.4), dbSNP rs374075138, ClinGen allele CA8882928.
Genomic context (GRCh38, chr18:7,037,662, plus strand): 5'-GGCTGCCCAGTAGTACTTGGGAGCCAGTCTCTGCATGACCGCGGTGTTGTTGATGCTGAC[C>G]TGATGGCGCCCGCCTAGTGCATCTTGCTGAGACGGGATCTTCCTGGGACTGATCAAGTCG-3'
Protein context (NP_005550.2, residues 541-561): SQQDALGGRH[Gln551His]VSINNTAVMQ